The following is an entry in ClinVar:

ClinVar aggregate classification (germline): Uncertain significance (1 of 4 stars; one submission).

Allele frequency attached by ClinVar (database versions not stated): gnomAD exomes below 0.00001; ExAC 0.00002.
gnomAD v4.1: 1 of 1,613,988 alleles (0.000062%); highest among the groups gnomAD compares: Non-Finnish European, 0.000085%; no homozygotes.

Submission:

Ambry Genetics
Classification: Uncertain significance. Last evaluated: 2022-10-04. Review status: criteria provided, single submitter. Criteria: Ambry Variant Classification Scheme 2023. Collection method: clinical testing. Allele origin: germline.
Comment: The p.V298F variant (also known as c.892G>T), located in coding exon 6 of the POLQ gene, results from a G to T substitution at nucleotide position 892. The valine at codon 298 is replaced by phenylalanine, an amino acid with highly similar properties. This amino acid position is conserved. In addition, this alteration is predicted to be tolerated by in silico analysis. Since supporting evidence is limited at this time, the clinical significance of this alteration remains unclear.

NM_199420.4(POLQ):c.892G>T (p.Val298Phe)

Gene: POLQ (DNA polymerase theta; minus strand). Cytogenetic location: 3q13.33.
Variant type: single nucleotide variant.
Coding change: c.892G>T on transcript NM_199420.4 (MANE Select); coding-DNA position 892, G replaced by T.
Protein change: p.Val298Phe; replaces valine 298 with phenylalanine.
Molecular consequence: missense variant.
Genome position (GRCh38, 1-based): chr3:121,533,058, C>A on the plus strand (G>T on the coding strand, the complement: POLQ is on the minus strand). VCF-style: chr3-121533058-C-A. GRCh37 (hg19) VCF-style: chr3-121251905-C-A.
Other names: short protein forms V298F.
Identifiers: ClinVar variation 1765155 (VCV001765155.2), dbSNP rs767628992, ClinGen allele CA2563700.